The following is an entry in ClinVar:

NM_032447.5(FBN3):c.2515G>A (p.Gly839Arg)

Gene: FBN3 (fibrillin 3; minus strand). Cytogenetic location: 19p13.2.
Variant type: single nucleotide variant.
Coding change: c.2515G>A on transcript NM_032447.5 (MANE Select); coding-DNA position 2515, G replaced by A.
Protein change: p.Gly839Arg; replaces glycine 839 with arginine.
Molecular consequence: missense variant.
Genome position (GRCh38, 1-based): chr19:8,126,507, C>T on the plus strand (G>A on the coding strand, the complement: FBN3 is on the minus strand). VCF-style: chr19-8126507-C-T. GRCh37 (hg19) VCF-style: chr19-8191391-C-T.
Other names: c.2515G>A, p.Gly839Arg (NM_001321431.2); short protein forms G839R.
Identifiers: ClinVar variation 3093370 (VCV003093370.3), dbSNP rs749198040, ClinGen allele CA9152861.

ClinVar aggregate classification (germline): Uncertain significance. Review status: criteria provided, multiple submitters, no conflicts (2 of 4 stars). 2 submissions from 2 submitters: Uncertain significance (2). Last evaluated 2026-01-05.

Allele frequency attached by ClinVar (database versions not stated): ExAC 0.00004; gnomAD 0.00002; TOPMed 0.00002.
gnomAD v4.1: 33 of 1,613,184 alleles (0.002%); highest among the groups gnomAD compares: Admixed American, 0.015%; no homozygotes.

Submissions (2):

Labcorp Genetics (formerly Invitae), Labcorp
Classification: Uncertain significance. Last evaluated: 2026-01-05. Review status: criteria provided, single submitter. Criteria: Invitae Variant Classification Sherloc (09022015). Collection method: clinical testing. Allele origin: germline.
Comment: This sequence change replaces glycine, which is neutral and non-polar, with arginine, which is basic and polar, at codon 839 of the FBN3 protein (p.Gly839Arg). This variant is present in population databases (rs749198040, gnomAD 0.02%). This variant has not been reported in the literature in individuals affected with FBN3-related conditions. ClinVar contains an entry for this variant (Variation ID: 3093370). Invitae Evidence Modeling of protein sequence and biophysical properties (such as structural, functional, and spatial information, amino acid conservation, physicochemical variation, residue mobility, and thermodynamic stability) indicates that this missense variant is expected to disrupt FBN3 protein function with a positive predictive value of 80%. In summary, the available evidence is currently insufficient to determine the role of this variant in disease. Therefore, it has been classified as a Variant of Uncertain Significance.

Ambry Genetics
Classification: Uncertain significance. Last evaluated: 2024-01-04. Review status: criteria provided, single submitter. Criteria: Ambry Variant Classification Scheme 2023. Collection method: clinical testing. Allele origin: germline.